The following is an entry in ClinVar:

ClinVar aggregate classification (germline): Likely pathogenic (1 of 4 stars; one submission).

Conditions:
Myofibrillar myopathy 5. Also called: Filaminopathy (type); FILAMINOPATHY, AUTOSOMAL DOMINANT. Identifiers: Orphanet 171445, MedGen C1836050, MONDO:0012289, OMIM 609524.
Distal myopathy with posterior leg and anterior hand involvement. Also called: WILLIAMS DISTAL MYOPATHY. Identifiers: Orphanet 63273, MedGen C3279722, MONDO:0013550, OMIM 614065.
Hypertrophic cardiomyopathy 26. Also called: Cardiomyopathy, familial hypertrophic, 26. Identifiers: Orphanet 75249, MedGen C4310749, MONDO:0014883, OMIM 617047.

Allele frequency attached by ClinVar (database versions not stated): gnomAD 0.00001.
gnomAD v4.1: 1 of 1,614,010 alleles (0.000062%); highest among the groups gnomAD compares: Non-Finnish European, 0.000085%; no homozygotes.

Submission:

Labcorp Genetics (formerly Invitae), Labcorp
Classification: Likely pathogenic for Distal myopathy with posterior leg and anterior hand involvement; Myofibrillar myopathy 5; Hypertrophic cardiomyopathy 26. Last evaluated: 2020-10-16. Review status: criteria provided, single submitter. Criteria: Invitae Variant Classification Sherloc (09022015). Collection method: clinical testing. Allele origin: germline.
Comment: In summary, the currently available evidence indicates that the variant is pathogenic, but additional data are needed to prove that conclusively. Therefore, this variant has been classified as Likely Pathogenic. Donor and acceptor splice site variants typically lead to a loss of protein function (PMID: 16199547), and loss-of-function variants in FLNC are known to be pathogenic (PMID: 27908349). This variant has not been reported in the literature in individuals with FLNC-related conditions. This variant is not present in population databases (ExAC no frequency). This sequence change affects an acceptor splice site in intron 27 of the FLNC gene. It is expected to disrupt RNA splicing and likely results in an absent or disrupted protein product.

Literature cited by the submitters: PubMed 16199547; PubMed 27908349.

NM_001458.5(FLNC):c.4738-1G>A

Gene: FLNC (filamin C; plus strand). Cytogenetic location: 7q32.1.
Variant type: single nucleotide variant.
Coding change: c.4738-1G>A on transcript NM_001458.5 (MANE Select); the canonical splice acceptor site of the intron before coding-DNA position 4738, G replaced by A.
Molecular consequence: splice acceptor variant.
Genome position (GRCh38, 1-based): chr7:128,848,792, G>A. VCF-style: chr7-128848792-G-A. GRCh37 (hg19) VCF-style: chr7-128488846-G-A.
Other names: c.4738-1G>A (NM_001127487.2).
Identifiers: ClinVar variation 1066124 (VCV001066124.7), dbSNP rs1808678197, ClinGen allele CA369202858.
Genomic context (GRCh38, chr7:128,848,792, plus strand): 5'-ATCCCACCCCGCAGGTCATGCTCCAGGCACAGGCGGGCCTTGACCTCTGCTTCTCCCTCA[G>A]GACCCCGAGGGTAAGCCCAAGAAGGCCAACATCCGGGACAATGGGGATGGCACGTACACT-3'